The following is an entry in ClinVar:

ClinVar aggregate classification (germline): Uncertain significance (1 of 4 stars; one submission).

Conditions:
Osteogenesis imperfecta type I (OI1). Also called: Lobstein disease; OI, TYPE I; OSTEOGENESIS IMPERFECTA TARDA; OSTEOGENESIS IMPERFECTA WITH BLUE SCLERAE; Osteogenesis imperfecta type 1; Lobstein's Disease. Identifiers: Orphanet 216796, Orphanet 666, MedGen C0023931, MONDO:0008146, OMIM 166200. Disease mechanism: loss of function.
Ehlers-Danlos syndrome, classic type, 1 (EDSCL1). Also called: EDS I; EHLERS-DANLOS SYNDROME, GRAVIS TYPE; EHLERS-DANLOS SYNDROME, SEVERE CLASSIC TYPE; Ehlers-Danlos syndrome, type 1; Ehlers-Danlos Syndrome, Classic Type, COL5A1-Related. Identifiers: MedGen C0268335, MONDO:0019567, OMIM 130000.

gnomAD v4.1: 1 of 1,614,140 alleles (0.000062%); no homozygotes.

Submission:

Labcorp Genetics (formerly Invitae), Labcorp
Classification: Uncertain significance for Osteogenesis imperfecta type I; Ehlers-Danlos syndrome, classic type, 1. Last evaluated: 2023-04-03. Review status: criteria provided, single submitter. Criteria: Invitae Variant Classification Sherloc (09022015). Collection method: clinical testing. Allele origin: germline.
Comment: In summary, the available evidence is currently insufficient to determine the role of this variant in disease. Therefore, it has been classified as a Variant of Uncertain Significance. This sequence change replaces proline, which is neutral and non-polar, with serine, which is neutral and polar, at codon 1097 of the COL1A2 protein (p.Pro1097Ser). Advanced modeling of protein sequence and biophysical properties (such as structural, functional, and spatial information, amino acid conservation, physicochemical variation, residue mobility, and thermodynamic stability) performed at Invitae indicates that this missense variant is not expected to disrupt COL1A2 protein function. This variant has not been reported in the literature in individuals affected with COL1A2-related conditions. This variant is not present in population databases (gnomAD no frequency).

NM_000089.4(COL1A2):c.3289C>T (p.Pro1097Ser)

Gene: COL1A2 (collagen type I alpha 2 chain; plus strand). Cytogenetic location: 7q21.3.
Variant type: single nucleotide variant.
Coding change: c.3289C>T on transcript NM_000089.4 (MANE Select); coding-DNA position 3289, C replaced by T.
Protein change: p.Pro1097Ser; replaces proline 1097 with serine.
Molecular consequence: missense variant.
Genome position (GRCh38, 1-based): chr7:94,427,648, C>T. VCF-style: chr7-94427648-C-T. GRCh37 (hg19) VCF-style: chr7-94056960-C-T.
Other names: short protein forms P1097S.
Identifiers: ClinVar variation 2930071 (VCV002930071.3), dbSNP rs2484738496, ClinGen allele CA368225660.